The following is an entry in ClinVar:

ClinVar aggregate classification (germline): Uncertain significance (1 of 4 stars; one submission).

Conditions:
Developmental and epileptic encephalopathy, 11 (DEE11). Also called: Early infantile epileptic encephalopathy 11. Identifiers: Orphanet 1934, MedGen C3150987, MONDO:0013388, OMIM 613721.
Seizures, benign familial infantile, 3 (BFIS3). Also called: CONVULSIONS, BENIGN FAMILIAL INFANTILE, 3; Familial neonatal seizures. Identifiers: Orphanet 140927, Orphanet 306, MedGen C1843140, MONDO:0011904, OMIM 607745.

Submission:

Labcorp Genetics (formerly Invitae), Labcorp
Classification: Uncertain significance for Seizures, benign familial infantile, 3; Developmental and epileptic encephalopathy, 11. Last evaluated: 2024-08-11. Review status: criteria provided, single submitter. Criteria: Invitae Variant Classification Sherloc (09022015). Collection method: clinical testing. Allele origin: germline.
Comment: This sequence change replaces serine, which is neutral and polar, with glycine, which is neutral and non-polar, at codon 531 of the SCN2A protein (p.Ser531Gly). This variant is not present in population databases (gnomAD no frequency). This variant has not been reported in the literature in individuals affected with SCN2A-related conditions. Advanced modeling of protein sequence and biophysical properties (such as structural, functional, and spatial information, amino acid conservation, physicochemical variation, residue mobility, and thermodynamic stability) performed at Invitae indicates that this missense variant is not expected to disrupt SCN2A protein function with a negative predictive value of 95%. In summary, the available evidence is currently insufficient to determine the role of this variant in disease. Therefore, it has been classified as a Variant of Uncertain Significance.

NM_001040142.2(SCN2A):c.1591A>G (p.Ser531Gly)

Gene: SCN2A (sodium voltage-gated channel alpha subunit 2; plus strand). Cytogenetic location: 2q24.3.
Variant type: single nucleotide variant.
Coding change: c.1591A>G on transcript NM_001040142.2 (MANE Select); coding-DNA position 1591, A replaced by G.
Protein change: p.Ser531Gly; replaces serine 531 with glycine.
Molecular consequence: missense variant.
Genome position (GRCh38, 1-based): chr2:165,315,678, A>G. VCF-style: chr2-165315678-A-G. GRCh37 (hg19) VCF-style: chr2-166172188-A-G.
Other names: c.1591A>G, p.Ser531Gly (NM_001040143.2, NM_001371246.1, NM_001371247.1 and 1 more transcripts); short protein forms S531G.
Identifiers: ClinVar variation 3753052 (VCV003753052.2).